The following is an entry in ClinVar:

ClinVar aggregate classification (germline): Uncertain significance. Review status: criteria provided, multiple submitters, no conflicts (2 of 4 stars). 2 submissions from 2 submitters: Uncertain significance (2). Last evaluated 2025-06-12.

Conditions:
Progressive myoclonic epilepsy type 5. Identifiers: Orphanet 402082, MedGen C5190799.

Allele frequency attached by ClinVar (database versions not stated): gnomAD exomes below 0.00001 and 0.00001; ExAC 0.00002; gnomAD 0.00005 and 0.00006; TOPMed 0.00005; 1000 Genomes Project 30x 0.00016; 1000 Genomes Project 0.00020.
gnomAD v4.1: 13 of 1,614,194 alleles (0.00081%); highest among the groups gnomAD compares: African/African-American, 0.016%; no homozygotes.

Submissions (2):

Labcorp Genetics (formerly Invitae), Labcorp
Classification: Uncertain significance for Progressive myoclonic epilepsy type 5. Last evaluated: 2025-06-12. Review status: criteria provided, single submitter. Criteria: Invitae Variant Classification Sherloc (09022015). Collection method: clinical testing. Allele origin: germline.
Comment: This sequence change replaces asparagine, which is neutral and polar, with histidine, which is basic and polar, at codon 759 of the PRICKLE2 protein (p.Asn759His). This variant is present in population databases (rs565155814, gnomAD 0.02%). This variant has not been reported in the literature in individuals affected with PRICKLE2-related conditions. ClinVar contains an entry for this variant (Variation ID: 285487). Invitae Evidence Modeling of protein sequence and biophysical properties (such as structural, functional, and spatial information, amino acid conservation, physicochemical variation, residue mobility, and thermodynamic stability) indicates that this missense variant is not expected to disrupt PRICKLE2 protein function with a negative predictive value of 80%. In summary, the available evidence is currently insufficient to determine the role of this variant in disease. Therefore, it has been classified as a Variant of Uncertain Significance.

Eurofins Ntd Llc (ga)
Classification: Uncertain significance. Last evaluated: 2016-01-14. Review status: criteria provided, single submitter. Criteria: EGL Classification Definitions 2015. Collection method: clinical testing. Allele origin: germline. Observed: 1 variant allele, 1 heterozygote.

NM_198859.4(PRICKLE2):c.2275A>C (p.Asn759His)

Genes: PRICKLE2 (prickle planar cell polarity protein 2; minus strand), PRICKLE2-AS1 (PRICKLE2 antisense RNA 1; plus strand). Cytogenetic location: 3p14.1.
Variant type: single nucleotide variant.
Coding change: c.2275A>C on transcript NM_198859.4 (MANE Select); coding-DNA position 2275, A replaced by C.
Protein change: p.Asn759His; replaces asparagine 759 with histidine.
Molecular consequence: missense variant. On other transcripts: non-coding transcript variant (1).
Genome position (GRCh38, 1-based): chr3:64,099,311, T>G on the plus strand (A>C on the coding strand, the complement: PRICKLE2 is on the minus strand). VCF-style: chr3-64099311-T-G. GRCh37 (hg19) VCF-style: chr3-64084987-T-G.
Other names: c.2275A>C, p.Asn759His (NM_001370528.1); short protein forms N759H.
Identifiers: ClinVar variation 285487 (VCV000285487.8), dbSNP rs565155814, ClinGen allele CA2479468.
Genomic context (GRCh38, chr3:64,099,311, plus strand): 5'-AGCAGGTGGAACACCAATCATACTCGGCGAAGTAGGGTCCCCAGCGGTCCCCAAAGGCAT[T>G]CTGCAAAGCCAGGTCCGACACAGTCCTAGGGCACTGGCCGTACAGGTCCCTCCGGGACCC-3'
Protein context (NP_942559.1, residues 749-769): PRTVSDLALQ[Asn759His]AFGDRWGPYF